The following is an entry in ClinVar:

ClinVar aggregate classification (germline): Uncertain significance (1 of 4 stars; one submission).

Conditions:
Brody myopathy. Also called: BRODY DISEASE. Identifiers: Orphanet 53347, MedGen C1832918, MONDO:0010977, OMIM 601003.

Submission:

Labcorp Genetics (formerly Invitae), Labcorp
Classification: Uncertain significance for Brody myopathy. Last evaluated: 2020-08-14. Review status: criteria provided, single submitter. Criteria: Invitae Variant Classification Sherloc (09022015). Collection method: clinical testing. Allele origin: germline.
Comment: In summary, the available evidence is currently insufficient to determine the role of this variant in disease. Therefore, it has been classified as a Variant of Uncertain Significance. Algorithms developed to predict the effect of missense changes on protein structure and function are either unavailable or do not agree on the potential impact of this missense change (SIFT: "Tolerated"; PolyPhen-2: "Probably Damaging"; Align-GVGD: "Class C0"). This sequence change replaces alanine with serine at codon 677 of the ATP2A1 protein (p.Ala677Ser). The alanine residue is moderately conserved and there is a moderate physicochemical difference between alanine and serine. This variant is not present in population databases (ExAC no frequency). This variant has not been reported in the literature in individuals with ATP2A1-related conditions.

NM_004320.6(ATP2A1):c.2029G>T (p.Ala677Ser)

Gene: ATP2A1 (ATPase sarcoplasmic/endoplasmic reticulum Ca2+ transporting 1; plus strand). Cytogenetic location: 16p11.2.
Variant type: single nucleotide variant.
Coding change: c.2029G>T on transcript NM_004320.6 (MANE Select); coding-DNA position 2029, G replaced by T.
Protein change: p.Ala677Ser; replaces alanine 677 with serine.
Molecular consequence: missense variant.
Genome position (GRCh38, 1-based): chr16:28,900,845, G>T. VCF-style: chr16-28900845-G-T. GRCh37 (hg19) VCF-style: chr16-28912166-G-T.
Other names: c.1654G>T, p.Ala552Ser (NM_001286075.2); c.2029G>T, p.Ala677Ser (NM_173201.5); short protein forms A552S, A677S.
Identifiers: ClinVar variation 1055677 (VCV001055677.9), dbSNP rs774406575, ClinGen allele CA395411446.